The following is an entry in ClinVar:

ClinVar aggregate classification (germline): Likely pathogenic. Review status: criteria provided, multiple submitters, no conflicts (2 of 4 stars). 2 submissions from 2 submitters: Likely pathogenic (2). Last evaluated 2026-04-01.

Conditions:
Primary ciliary dyskinesia. Also called: Ciliary dyskinesia. Identifiers: Orphanet 244, MedGen C0008780, MONDO:0016575, HP:0012265.
IFT172-related disorder. Also called: IFT172-related disorders; IFT172-related condition.

gnomAD v4.1: 7 of 1,614,008 alleles (0.00043%); highest among the groups gnomAD compares: Admixed American, 0.0017%; no homozygotes.

Submissions (2):

Department of Human Genetics, Hannover Medical School
Classification: Likely pathogenic for Primary Ciliary Dyskinesia. Last evaluated: 2026-04-01. Review status: criteria provided, single submitter. Criteria: ACMG Guidelines, 2015. Collection method: research. Allele origin: germline. Affected: no.
Comment: Classification performed by HerediClassify using the following criteria:['PM2_supporting: Variant occures does not occur as homozygous in gnomAD.', 'PVS1_protein_very_strong: Transcript ENST00000260570 is predicted to undergo NMD.']

PreventionGenetics, part of Exact Sciences
Classification: Likely pathogenic for IFT172-related condition. Last evaluated: 2025-03-01. Review status: criteria provided, single submitter. Criteria: ACMG Guidelines, 2015. Collection method: clinical testing. Allele origin: germline.
Comment: The IFT172 c.2263C>T variant is predicted to result in premature protein termination (p.Arg755*). To our knowledge, this variant has not been reported in the literature or in a large population database (gnomAD), indicating this variant is rare. Nonsense variants in IFT172 are expected to be pathogenic. This variant is interpreted as likely pathogenic.

NM_015662.3(IFT172):c.2263C>T (p.Arg755Ter)

Gene: IFT172 (intraflagellar transport 172; minus strand). Cytogenetic location: 2p23.3.
Variant type: single nucleotide variant.
Coding change: c.2263C>T on transcript NM_015662.3 (MANE Select); coding-DNA position 2263, C replaced by T.
Protein change: p.Arg755Ter; replaces arginine 755 with a stop codon.
Molecular consequence: nonsense.
Genome position (GRCh38, 1-based): chr2:27,461,448, G>A on the plus strand (C>T on the coding strand, the complement: IFT172 is on the minus strand). VCF-style: chr2-27461448-G-A. GRCh37 (hg19) VCF-style: chr2-27684315-G-A.
Other names: c.2263C>T (NM_015662.2); c.2197C>T, p.Arg733Ter (NM_001410739.1); short protein forms R733*, R755*.
Identifiers: ClinVar variation 4880116 (VCV004880116.1).